The following is an entry in ClinVar:

ClinVar aggregate classification (germline): Conflicting classifications of pathogenicity. Review status: criteria provided, conflicting classifications (1 of 4 stars). 8 submissions from 7 submitters: Uncertain significance (1); Likely benign (5). 2 of the submissions do not count toward it. Last evaluated 2026-01-20.

Conditions:
Gorlin syndrome. Also called: Nevoid Basal Cell Carcinoma Syndrome; Basal cell nevus syndrome. Identifiers: Orphanet 377, MedGen C0004779, MONDO:0007187.
Holoprosencephaly 7 (HPE7). Identifiers: Orphanet 2162, MedGen C1835820, MONDO:0012562, OMIM 610828.

Allele frequency attached by ClinVar (database versions not stated): ExAC 0.00018; 1000 Genomes Project 0.00020; gnomAD exomes 0.00021 and 0.00040; TOPMed 0.00028; gnomAD 0.00030 and 0.00031; 1000 Genomes Project 30x 0.00031; ESP Exome Variant Server 0.00046.
gnomAD v4.1: 621 of 1,613,138 alleles (0.038%); highest among the groups gnomAD compares: Non-Finnish European, 0.048%; no homozygotes.

Submissions (8):

Labcorp Genetics (formerly Invitae), Labcorp
Classification: Likely benign for Gorlin syndrome. Last evaluated: 2026-01-20. Review status: criteria provided, single submitter. Criteria: Invitae Variant Classification Sherloc (09022015). Collection method: clinical testing. Allele origin: germline.

Center for Genomic Medicine, Rigshospitalet, Copenhagen University Hospital
Classification: Likely benign. Last evaluated: 2025-12-29. Review status: criteria provided, single submitter. Criteria: ACMG Guidelines, 2015. Collection method: clinical testing. Allele origin: germline.

ARUP Laboratories, Molecular Genetics and Genomics, ARUP Laboratories
Classification: Likely benign. Last evaluated: 2025-05-07. Review status: criteria provided, single submitter. Criteria: ARUP Molecular Germline Variant Investigation Process 2024. Collection method: clinical testing. Allele origin: germline.

Blueprint Genetics
Classification: Likely benign. Last evaluated: 2024-11-13. Review status: criteria provided, single submitter. Criteria: ACMG Guidelines, 2015. Collection method: clinical testing. Allele origin: germline.

Illumina Laboratory Services, Illumina
Classification: Likely benign for Basal cell nevus syndrome 1. Last evaluated: 2018-01-13. Review status: criteria provided, single submitter. Criteria: ICSL Variant Classification Criteria 13 December 2019. Collection method: clinical testing. Allele origin: germline.
Comment: This variant was observed in the ICSL laboratory as part of a predisposition screen in an ostensibly healthy population. It had not been previously curated by ICSL or reported in the Human Gene Mutation Database (HGMD: prior to June 1st, 2018), and was therefore a candidate for classification through an automated scoring system. Utilizing variant allele frequency, disease prevalence and penetrance estimates, and inheritance mode, an automated score was calculated to assess if this variant is too frequent to cause the disease. Based on the score and internal cut-off values, a variant classified as likely benign is not then subjected to further curation. The score for this variant resulted in a classification of likely benign for this disease.

Illumina Laboratory Services, Illumina
Classification: Uncertain significance for Holoprosencephaly 7. Last evaluated: 2018-01-13. Review status: criteria provided, single submitter. Criteria: ICSL Variant Classification Criteria 13 December 2019. Collection method: clinical testing. Allele origin: germline.

Clinical Genetics DNA and cytogenetics Diagnostics Lab, Erasmus MC, Erasmus Medical Center
Classification: Likely benign. Review status: no assertion criteria provided. Collection method: clinical testing. Allele origin: germline. Affected: yes. Study: VKGL Data-share Consensus. Not counted in ClinVar's aggregate classification.

Diagnostic Laboratory, Department of Genetics, University Medical Center Groningen
Classification: Likely benign. Review status: no assertion criteria provided. Collection method: clinical testing. Allele origin: germline. Affected: yes. Study: VKGL Data-share Consensus. Not counted in ClinVar's aggregate classification.

NM_000264.5(PTCH1):c.2887+10G>A

Gene: PTCH1 (patched 1; minus strand). Cytogenetic location: 9q22.32.
Variant type: single nucleotide variant.
Coding change: c.2887+10G>A on transcript NM_000264.5 (MANE Select); 10 bases into the intron after coding-DNA position 2887, G replaced by A.
Molecular consequence: intron variant.
Genome position (GRCh38, 1-based): chr9:95,459,590, C>T on the plus strand (G>A on the coding strand, the complement: PTCH1 is on the minus strand). VCF-style: chr9-95459590-C-T. GRCh37 (hg19) VCF-style: chr9-98221872-C-T.
Other names: c.2884+10G>A (NM_001083603.3); c.2689+10G>A (NM_001083602.3); c.2731+10G>A (NM_001354918.2); c.2434+10G>A (NM_001083605.3, NM_001083604.3, NM_001083606.3 and 1 more transcripts).
Identifiers: ClinVar variation 135886 (VCV000135886.22), dbSNP rs202081420, ClinGen allele CA332520.